The following is an entry in ClinVar:

ClinVar aggregate classification (germline): Uncertain significance. Review status: criteria provided, multiple submitters, no conflicts (2 of 4 stars). 2 submissions from 2 submitters: Uncertain significance (2). Last evaluated 2024-03-07.

Conditions:
Inborn genetic diseases. Identifiers: MedGen C0950123, MeSH D030342.
Retinitis pigmentosa 59 (RP59). Identifiers: Orphanet 791, MedGen C3151227, MONDO:0013468, OMIM 613861.

Allele frequency attached by ClinVar (database versions not stated): TOPMed below 0.00001.
gnomAD v4.1: 44 of 1,614,222 alleles (0.0027%); highest among the groups gnomAD compares: Non-Finnish European, 0.0036%; no homozygotes.

Submissions (2):

Ambry Genetics
Classification: Uncertain significance for Inborn genetic diseases. Last evaluated: 2024-03-07. Review status: criteria provided, single submitter. Criteria: Ambry Variant Classification Scheme 2023. Collection method: clinical testing. Allele origin: germline.

Labcorp Genetics (formerly Invitae), Labcorp
Classification: Uncertain significance for Retinitis pigmentosa 59. Last evaluated: 2023-12-01. Review status: criteria provided, single submitter. Criteria: Invitae Variant Classification Sherloc (09022015). Collection method: clinical testing. Allele origin: germline.
Comment: This sequence change replaces glutamic acid, which is acidic and polar, with glutamine, which is neutral and polar, at codon 168 of the DHDDS protein (p.Glu168Gln). This variant is present in population databases (no rsID available, gnomAD 0.007%). This variant has not been reported in the literature in individuals affected with DHDDS-related conditions. Advanced modeling of protein sequence and biophysical properties (such as structural, functional, and spatial information, amino acid conservation, physicochemical variation, residue mobility, and thermodynamic stability) performed at Invitae indicates that this missense variant is not expected to disrupt DHDDS protein function with a negative predictive value of 80%. In summary, the available evidence is currently insufficient to determine the role of this variant in disease. Therefore, it has been classified as a Variant of Uncertain Significance.

NM_205861.3(DHDDS):c.502G>C (p.Glu168Gln)

Gene: DHDDS (dehydrodolichyl diphosphate synthase subunit; plus strand). Cytogenetic location: 1p36.11.
Variant type: single nucleotide variant.
Coding change: c.502G>C on transcript NM_205861.3 (MANE Select); coding-DNA position 502, G replaced by C.
Protein change: p.Glu168Gln; replaces glutamic acid 168 with glutamine.
Molecular consequence: missense variant. On other transcripts: intron variant (1).
Genome position (GRCh38, 1-based): chr1:26,447,620, G>C. VCF-style: chr1-26447620-G-C. GRCh37 (hg19) VCF-style: chr1-26774111-G-C.
Other names: c.502G>C (NM_024887.3); c.385G>C, p.Glu129Gln (NM_001243565.2); c.223G>C, p.Glu75Gln (NM_001319959.2); c.502G>C, p.Glu168Gln (NM_024887.4); c.440+1188G>C (NM_001243564.2); short protein forms E75Q, E168Q, E129Q.
Identifiers: ClinVar variation 2913728 (VCV002913728.4), dbSNP rs1176720477, ClinGen allele CA339143338.
Genomic context (GRCh38, chr1:26,447,620, plus strand): 5'-TGTTTCCTGAATGTCTGTTTTGCATACACATCCCGTCATGAGATCAGCAATGCTGTGAGA[G>C]AGATGGCCTGGGGGGTGGAGCAAGGCCTGTTGGATCCCAGGTATCCCGAGTTGTTTTGCA-3'
Protein context (NP_995583.1, residues 158-178): SRHEISNAVR[Glu168Gln]MAWGVEQGLL